The following is an entry in ClinVar:

NM_000521.4(HEXB):c.867T>A (p.Phe289Leu)

Gene: HEXB (hexosaminidase subunit beta; plus strand). Cytogenetic location: 5q13.3.
Variant type: single nucleotide variant.
Coding change: c.867T>A on transcript NM_000521.4 (MANE Select); coding-DNA position 867, T replaced by A.
Protein change: p.Phe289Leu; replaces phenylalanine 289 with leucine.
Molecular consequence: missense variant.
Genome position (GRCh38, 1-based): chr5:74,713,601, T>A. VCF-style: chr5-74713601-T-A. GRCh37 (hg19) VCF-style: chr5-74009426-T-A.
Other names: c.192T>A, p.Phe64Leu (NM_001292004.2); c.867T>A (NM_000521.3); short protein forms F289L, F64L.
Identifiers: ClinVar variation 2156320 (VCV002156320.2), dbSNP rs756316442, ClinGen allele CA3305962.

ClinVar aggregate classification (germline): Uncertain significance. Review status: criteria provided, multiple submitters, no conflicts (2 of 4 stars). 2 submissions from 2 submitters: Uncertain significance (2). Last evaluated 2025-01-01.

Conditions:
Sandhoff disease. Also called: GM2-GANGLIOSIDOSIS, TYPE II; HEXOSAMINIDASES A AND B DEFICIENCY; Beta-hexosaminidase-beta-subunit deficiency; GM2 gangliosidosis, type 2; Total hexosaminidase deficiency; Sandhoff-Jatzkewitz-Pilz disease. Identifiers: Orphanet 796, MedGen C0036161, MONDO:0010006, OMIM 268800.
Inborn genetic diseases. Identifiers: MedGen C0950123, MeSH D030342.

Allele frequency attached by ClinVar (database versions not stated): TOPMed below 0.00001; ExAC 0.00001.
gnomAD v4.1: 8 of 1,613,444 alleles (0.0005%); highest among the groups gnomAD compares: South Asian, 0.0088%; no homozygotes.

Submissions (2):

Ambry Genetics
Classification: Uncertain significance for Inborn genetic diseases. Last evaluated: 2025-01-01. Review status: criteria provided, single submitter. Criteria: Ambry Variant Classification Scheme 2023. Collection method: clinical testing. Allele origin: germline.

Labcorp Genetics (formerly Invitae), Labcorp
Classification: Uncertain significance for Sandhoff disease. Last evaluated: 2022-06-13. Review status: criteria provided, single submitter. Criteria: Invitae Variant Classification Sherloc (09022015). Collection method: clinical testing. Allele origin: germline.
Comment: This sequence change replaces phenylalanine, which is neutral and non-polar, with leucine, which is neutral and non-polar, at codon 289 of the HEXB protein (p.Phe289Leu). This variant is present in population databases (rs756316442, gnomAD 0.006%). This variant has not been reported in the literature in individuals affected with HEXB-related conditions. Advanced modeling of protein sequence and biophysical properties (such as structural, functional, and spatial information, amino acid conservation, physicochemical variation, residue mobility, and thermodynamic stability) performed at Invitae indicates that this missense variant is expected to disrupt HEXB protein function. In summary, the available evidence is currently insufficient to determine the role of this variant in disease. Therefore, it has been classified as a Variant of Uncertain Significance.